The following is an entry in ClinVar:

NM_014489.4(PGAP2):c.97G>A (p.Ala33Thr)

Gene: PGAP2 (post-GPI attachment to proteins 2; plus strand). Cytogenetic location: 11p15.4.
Variant type: single nucleotide variant.
Coding change: c.97G>A on transcript NM_014489.4 (MANE Select); coding-DNA position 97, G replaced by A.
Protein change: p.Ala33Thr; replaces alanine 33 with threonine.
Molecular consequence: missense variant. On other transcripts: 5 prime UTR variant (2), synonymous variant (2), non-coding transcript variant (5), intron variant (2).
Genome position (GRCh38, 1-based): chr11:3,811,356, G>A. VCF-style: chr11-3811356-G-A. GRCh37 (hg19) VCF-style: chr11-3832586-G-A.
Other names: c.97G>A, p.Ala33Thr (NM_001283038.2, NM_001346398.2, NM_001346400.2 and 9 more transcripts); c.250G>A, p.Ala84Thr (NM_001346397.2); c.-107G>A (NM_001346399.2, NM_001346401.2); c.132G>A, p.Ser44= (NM_001346402.2); c.97G>A (NM_001256240.1, NM_014489.2); c.66G>A, p.Ser22= (NM_001256235.2); c.161+3041G>A (NM_001283040.1); c.-41+3041G>A (NM_001283039.2); short protein forms A33T, A84T, A90T.
Identifiers: ClinVar variation 816936 (VCV000816936.5), dbSNP rs1564998996, ClinGen allele CA379186170.

ClinVar aggregate classification (germline): Uncertain significance. Review status: criteria provided, multiple submitters, no conflicts (2 of 4 stars). 3 submissions from 3 submitters: Uncertain significance (3). Last evaluated 2023-10-20.

Conditions:
Inborn genetic diseases. Identifiers: MedGen C0950123, MeSH D030342.
Congenital omphalocele. Also called: Omphalocele; Omphalocoele. Identifiers: Orphanet 660, MedGen C0795690, MONDO:0019015, HP:0001539.
Hypoplasia of the corpus callosum. Also called: Corpus callosum hypoplasia. Identifiers: MedGen C0344482, HP:0002079.
Micrognathia. Also called: Mandibular hypoplasia. Identifiers: MedGen C0025990, HP:0000347.

Allele frequency attached by ClinVar (database versions not stated): gnomAD exomes below 0.00001.

Submissions (3):

GeneDx
Classification: Uncertain significance. Last evaluated: 2023-10-20. Review status: criteria provided, single submitter. Criteria: GeneDx Variant Classification Process June 2021. Collection method: clinical testing. Allele origin: germline. Affected: yes.
Comment: Not observed at significant frequency in large population cohorts (gnomAD); In silico analysis supports that this missense variant does not alter protein structure/function; Has not been previously published as pathogenic or benign to our knowledge

Ambry Genetics
Classification: Uncertain significance for Inborn genetic diseases. Last evaluated: 2020-11-06. Review status: criteria provided, single submitter. Criteria: Ambry Variant Classification Scheme 2023. Collection method: clinical testing. Allele origin: germline.
Comment: The c.97G>A (p.A33T) alteration is located in exon 2 (coding exon 1) of the PGAP2 gene. This alteration results from a G to A substitution at nucleotide position 97, causing the alanine (A) at amino acid position 33 to be replaced by a threonine (T). Based on data from the Genome Aggregation Database (gnomAD), the PGAP2 c.97G>A alteration was not observed, with coverage at this position. This amino acid position is well conserved in available vertebrate species. The p.A33T alteration is predicted to be tolerated by in silico analysis. Based on insufficient or conflicting evidence, the clinical significance of this alteration remains unclear.

Genomic Medicine Lab, University of California San Francisco
Classification: Uncertain significance for Congenital omphalocele; Hypoplasia of the corpus callosum; Micrognathia. Last evaluated: 2019-03-21. Review status: criteria provided, single submitter. Criteria: ACMG Guidelines, 2015. Collection method: clinical testing. Allele origin: inherited. Inheritance: Autosomal recessive inheritance. Study: CSER.